The following is an entry in ClinVar:

NM_000321.3(RB1):c.232del (p.Trp78fs)

Gene: RB1 (RB transcriptional corepressor 1; plus strand). Cytogenetic location: 13q14.2.
Variant type: Deletion.
Coding change: c.232del on transcript NM_000321.3 (MANE Select); coding-DNA position 232, one base deleted (T; older notation c.232delT).
Protein change: p.Trp78fs; shifts the reading frame from tryptophan 78.
Molecular consequence: frameshift variant.
Genome position (GRCh38, 1-based): chr13:48,307,374, T deleted; the last of 2 consecutive T bases (chr13:48,307,373-48,307,374); deleting either gives the same sequence. VCF-style (leftmost placement, unchanged base first): chr13-48307372-CT-C. GRCh37 (hg19) VCF-style: chr13-48881508-CT-C.
Other names: c.232del, p.Trp78fs (NM_001407165.1, NM_001407166.1, NM_001407167.1); short protein forms W78fs.
Identifiers: ClinVar variation 3237108 (VCV003237108.1), dbSNP rs2542100326.

ClinVar aggregate classification (germline): Pathogenic (1 of 4 stars; one submission).

Conditions:
Retinoblastoma (RB1). Also called: RETINOBLASTOMA, SOMATIC. Identifiers: Orphanet 790, MedGen C0035335, MeSH D012175, MONDO:0008380, OMIM 180200, HP:0009919. Disease mechanism: loss of function. Inheritance: Both sporadic and heritable forms are tested..

Submission:

Genetic Diagnostic Laboratory, University of Pennsylvania School of Medicine
Classification: Pathogenic for Retinoblastoma. Last evaluated: 2024-05-20. Review status: criteria provided, single submitter. Criteria: ACMG Guidelines, 2015. Collection method: clinical testing. Allele origin: germline. Affected: yes. Observed: 1 variant allele.
Comment: Case and Pedigree Information: BILATERAL CASES:0, UNILATERAL CASES:1, TOTAL CASES:1, PEDIGREES:1. ACMG Codes Applied:PVS1, PM2